The following is an entry in ClinVar:

NM_000202.8(IDS):c.928C>T (p.Gln310Ter)

Genes: IDS (iduronate 2-sulfatase; minus strand), LOC106050102 (IDS recombination region; plus strand). Cytogenetic location: Xq28.
Variant type: single nucleotide variant.
Coding change: c.928C>T on transcript NM_000202.8 (MANE Select); coding-DNA position 928, C replaced by T.
Protein change: p.Gln310Ter; replaces glutamine 310 with a stop codon.
Molecular consequence: nonsense. On other transcripts: non-coding transcript variant (1).
Genome position (GRCh38, 1-based): chrX:149,490,392, G>A on the plus strand (C>T on the coding strand, the complement: IDS is on the minus strand). VCF-style: chrX-149490392-G-A. GRCh37 (hg19) VCF-style: chrX-148571923-G-A.
Other names: c.658C>T, p.Gln220Ter (NM_001166550.4); c.928C>T, p.Gln310Ter (NM_006123.5); short protein forms Q220*, Q310*.
Identifiers: ClinVar variation 3255883 (VCV003255883.2).
Genomic context (GRCh38, chrX:149,490,392, plus strand): 5'-CAATGATGGTGCTGTTGGCCAGCTGAAGATCGTCCAAAGCACTCAAGAGGCGGCCGACCT[G>A]TGTATCCAAATATGACACAGAGGCAAAGTAGCTCTGGCGGATTTTCCGCTGCAAATTGAA-3'

ClinVar aggregate classification (germline): Pathogenic (1 of 4 stars; one submission).

Conditions:
Mucopolysaccharidosis, MPS-II (MPS2). Also called: Hunter Syndrome; IDURONATE 2-SULFATASE DEFICIENCY; Mucopolysaccharidosis Type II; Mucopolysaccharidosis type 2; Attenuated MPS (subtype; formerly known as mild MPS II); Severe MPS II. Identifiers: Orphanet 580, Orphanet 79388, MedGen C0026705, MONDO:0010674, OMIM 309900.

Submission:

Laboratory of Diagnosis and Therapy of Lysosomal Disorders, University of Padova
Classification: Pathogenic for Mucopolysaccharidosis, MPS-II. Last evaluated: 2024-06-07. Review status: criteria provided, single submitter. Criteria: ACMG Guidelines, 2015. Collection method: literature only. Allele origin: germline. Affected: yes. Observed: 3 variant alleles.
Comment: Null variant (PVS1_VeryStrong), In vitro or in vivo functional studies supportive of a damaging effect (PS3_Strong), Absent from controls (or at low frequency) in gnomAD database (PM2_Moderate), Cosegregation with disease in multiple affected family members (PP1_Moderate), Patient’s phenotype or family history highly specific for the disease (PP4_Moderate)

Classification method: ACMG Guidelines [PMID:25741868] with modifications

Literature cited by the submitters: PubMed 28588666.